The following is an entry in ClinVar:

ClinVar aggregate classification (germline): Uncertain significance (1 of 4 stars; one submission).

Conditions:
Noonan syndrome 1 (NS1). Also called: FEMALE PSEUDO-TURNER SYNDROME; TURNER PHENOTYPE WITH NORMAL KARYOTYPE; PTPN11-Related Noonan Syndrome. Identifiers: Orphanet 648, MedGen C4551602, MONDO:0008104, OMIM 163950. Disease mechanism: gain of function.

Submission:

3billion
Classification: Uncertain significance for Noonan syndrome 1. Last evaluated: 2025-07-03. Review status: criteria provided, single submitter. Criteria: ACMG Guidelines, 2015. Collection method: clinical testing. Allele origin: germline. Affected: yes.
Comment: The variant is not observed in the gnomAD v4.1.0 dataset. Predicted Consequence/Location: Missense variant. Missense changes are a common disease-causing mechanism. In silico tool predictions suggest damaging effect of the variant on gene or gene product [REVEL: 0.93 (>=0.6, sensitivity 0.68 and specificity 0.92); 3Cnet: 0.94 (> 0.75, sensitivity 0.96 and precision 0.92)]. Therefore, this variant is classified as VUS according to the recommendation of ACMG/AMP guideline.

NM_002834.5(PTPN11):c.437A>T (p.Asp146Val)

Gene: PTPN11 (protein tyrosine phosphatase non-receptor type 11; plus strand). Cytogenetic location: 12q24.13.
Variant type: single nucleotide variant.
Coding change: c.437A>T on transcript NM_002834.5 (MANE Select); coding-DNA position 437, A replaced by T.
Protein change: p.Asp146Val; replaces aspartic acid 146 with valine.
Molecular consequence: missense variant.
Genome position (GRCh38, 1-based): chr12:112,453,299, A>T. VCF-style: chr12-112453299-A-T. GRCh37 (hg19) VCF-style: chr12-112891103-A-T.
Other names: c.437A>T, p.Asp146Val (NM_001330437.2, NM_080601.3); c.434A>T, p.Asp145Val (NM_001374625.1); short protein forms D145V, D146V.
Identifiers: ClinVar variation 4855471 (VCV004855471.1).
Genomic context (GRCh38, chr12:112,453,299, plus strand): 5'-TAACTGAAAAAGGAAAACATGGTAGTTTTCTTGTACGAGAGAGCCAGAGCCACCCTGGAG[A>T]TTTTGTTCTTTCTGTGCGCACTGGTGATGACAAAGGGGAGAGCAATGACGGCAAGTCTAA-3'
Protein context (NP_002825.3, residues 136-156): LVRESQSHPG[Asp146Val]FVLSVRTGDD